The following is an entry in ClinVar:

NM_020987.5(ANK3):c.11191A>G (p.Met3731Val)

Gene: ANK3 (ankyrin 3; minus strand). Cytogenetic location: 10q21.2.
Variant type: single nucleotide variant.
Coding change: c.11191A>G on transcript NM_020987.5 (MANE Select); coding-DNA position 11191, A replaced by G.
Protein change: p.Met3731Val; replaces methionine 3731 with valine.
Molecular consequence: missense variant. On other transcripts: intron variant (4).
Genome position (GRCh38, 1-based): chr10:60,069,690, T>C on the plus strand (A>G on the coding strand, the complement: ANK3 is on the minus strand). VCF-style: chr10-60069690-T-C. GRCh37 (hg19) VCF-style: chr10-61829448-T-C.
Other names: c.4388-1681A>G (NM_001204403.2); c.4409-1681A>G (NM_001204404.2); c.4406-1681A>G (NM_001320874.2); c.1808-1681A>G (NM_001149.4); short protein forms M3731V.
Identifiers: ClinVar variation 3031602 (VCV003031602.2), dbSNP rs746376879, ClinGen allele CA5511137.

ClinVar aggregate classification (germline): Uncertain significance (0 of 4 stars; one submission).

Conditions:
ANK3-related disorder. Also called: ANK3-related condition.

Allele frequency attached by ClinVar (database versions not stated): TOPMed below 0.00001; ExAC 0.00002.
gnomAD v4.1: 14 of 1,614,042 alleles (0.00087%); highest among the groups gnomAD compares: Admixed American, 0.0017%; no homozygotes.

Submission:

PreventionGenetics, part of Exact Sciences
Classification: Uncertain significance for ANK3-related condition. Last evaluated: 2023-11-21. Review status: no assertion criteria provided. Collection method: clinical testing. Allele origin: germline.
Comment: The ANK3 c.11191A>G variant is predicted to result in the amino acid substitution p.Met3731Val. To our knowledge, this variant has not been reported in the literature. This variant is reported in 0.0026% of alleles in individuals of European (Non-Finnish) descent in gnomAD. At this time, the clinical significance of this variant is uncertain due to the absence of conclusive functional and genetic evidence.